The following is an entry in ClinVar:

NM_016628.5(WAC):c.112del (p.Ser38fs)

Gene: WAC (WW domain containing adaptor with coiled-coil; plus strand). Cytogenetic location: 10p12.1.
Variant type: Deletion.
Coding change: c.112del on transcript NM_016628.5 (MANE Select); coding-DNA position 112, one base deleted (A; older notation c.112delA).
Protein change: p.Ser38fs; shifts the reading frame from serine 38.
Molecular consequence: frameshift variant. On other transcripts: 5 prime UTR variant (1).
Genome position (GRCh38, 1-based): chr10:28,535,595, A deleted. VCF-style (leftmost placement, unchanged base first): chr10-28535594-TA-T. GRCh37 (hg19) VCF-style: chr10-28824523-TA-T.
Other names: c.112delA (NM_016628.4); c.-24del (NM_100264.3); c.112del, p.Ser38fs (NM_100486.4); c.112del (NM_016628.4); short protein forms S38fs.
Identifiers: ClinVar variation 219144 (VCV000219144.3), dbSNP rs864321693, ClinGen allele CA347931.
Genomic context (GRCh38, chr10:28,535,594, plus strand): 5'-CTTTTTTTGGGGGGGTGATGTTTTACAGGCACTTAAGTATTCATCGAAGAGTCACCCCAG[TA>T]GCGGTGATCACAGACATGAAAAGATGCGAGACGCCGGAGATCCTTCACCACCAAATAAAA-3'

ClinVar aggregate classification (germline): Pathogenic. Review status: criteria provided, single submitter (1 of 4 stars). 2 submissions from 2 submitters: Pathogenic (1). 1 of the submissions does not count toward it. Last evaluated 2026-10-01.

Conditions:
DeSanto-Shinawi syndrome due to WAC point mutation (DESSH). Also called: WAC-Related Intellectual Disability; Facial dysmorphism-developmental delay-behavioral abnormalities syndrome due to WAC point mutation; DEVELOPMENTAL DELAY, BEHAVIORAL ABNORMALITIES, FACIAL DYSMORPHISM, AND OCULAR ABNORMALITIES. Identifiers: Orphanet 284169, Orphanet 466950, MedGen C5681129, MONDO:0014741, OMIM 616708.

Submissions (2):

GeneDx
Classification: Pathogenic. Last evaluated: 2026-10-01. Review status: criteria provided, single submitter. Criteria: GeneDx Variant Classification Process June 2021. Collection method: clinical testing. Allele origin: germline.
Comment: Frameshift variant predicted to result in protein truncation or nonsense mediated decay in a gene for which loss of function is a known mechanism of disease; Not observed at significant frequency in large population cohorts (gnomAD); This variant is associated with the following publications: (PMID: 33057194, 35982159, 26264232)

OMIM
Classification: Pathogenic for DESANTO-SHINAWI SYNDROME. Last evaluated: 2015-11-01. Review status: no assertion criteria provided. Collection method: literature only. Allele origin: germline. Not counted in ClinVar's aggregate classification.

Literature cited by the submitters: PubMed 26264232 (cited by OMIM).